The following is an entry in ClinVar:

ClinVar aggregate classification (germline): Benign (1 of 4 stars; one submission).

Conditions:
Hypomyelination and Congenital Cataract (HLD5). Also called: hypomyelinating leukodystrophy 5. Identifiers: Orphanet 85163, MedGen C1864663, MONDO:0012514, OMIM 610532.

Allele frequency attached by ClinVar (database versions not stated): gnomAD exomes 0.38078; gnomAD 0.38903 and 0.39222; TOPMed 0.39529; 1000 Genomes Project 30x 0.42161; 1000 Genomes Project 0.42732.
gnomAD v4.1: 81,719 of 210,080 alleles (39%); highest among the groups gnomAD compares: East Asian, 50%; 16,243 homozygotes.

Submission:

Illumina Laboratory Services, Illumina
Classification: Benign for Hypomyelination and Congenital Cataract. Last evaluated: 2018-01-13. Review status: criteria provided, single submitter. Criteria: ICSL Variant Classification Criteria 13 December 2019. Collection method: clinical testing. Allele origin: germline.
Comment: This variant was observed in the ICSL laboratory as part of a predisposition screen in an ostensibly healthy population. It had not been previously curated by ICSL or reported in the Human Gene Mutation Database (HGMD: prior to June 1st, 2018), and was therefore a candidate for classification through an automated scoring system. Utilizing variant allele frequency, disease prevalence and penetrance estimates, and inheritance mode, an automated score was calculated to assess if this variant is too frequent to cause the disease. Based on the score and internal cut-off values, a variant classified as benign is not then subjected to further curation. The score for this variant resulted in a classification of benign for this disease.

NM_032581.4(HYCC1):c.*435C>T

Gene: HYCC1 (hyccin PI4KA lipid kinase complex subunit 1; minus strand). Cytogenetic location: 7p15.3.
Variant type: single nucleotide variant.
Coding change: c.*435C>T on transcript NM_032581.4 (MANE Select); 435 bases downstream of the stop codon, C replaced by T.
Molecular consequence: 3 prime UTR variant.
Genome position (GRCh38, 1-based): chr7:22,945,154, G>A on the plus strand (C>T on the coding strand, the complement: HYCC1 is on the minus strand). VCF-style: chr7-22945154-G-A. GRCh37 (hg19) VCF-style: chr7-22984773-G-A.
Other names: c.*1037C>T (NM_001363466.2); c.*995C>T (NM_001363467.2).
Identifiers: ClinVar variation 359759 (VCV000359759.5), dbSNP rs10085739, ClinGen allele CA10628785.